The following is an entry in ClinVar:

ClinVar aggregate classification (germline): Uncertain significance (1 of 4 stars; one submission).

Allele frequency attached by ClinVar (database versions not stated): gnomAD exomes below 0.00001.
gnomAD v4.1: 2 of 1,614,110 alleles (0.00012%); highest among the groups gnomAD compares: Non-Finnish European, 0.00017%; no homozygotes.

Submission:

Labcorp Genetics (formerly Invitae), Labcorp
Classification: Uncertain significance. Last evaluated: 2022-08-31. Review status: criteria provided, single submitter. Criteria: Invitae Variant Classification Sherloc (09022015). Collection method: clinical testing. Allele origin: germline.
Comment: This variant is not present in population databases (gnomAD no frequency). This sequence change replaces alanine, which is neutral and non-polar, with threonine, which is neutral and polar, at codon 416 of the SIAE protein (p.Ala416Thr). In summary, the available evidence is currently insufficient to determine the role of this variant in disease. Therefore, it has been classified as a Variant of Uncertain Significance. Algorithms developed to predict the effect of missense changes on protein structure and function output the following: SIFT: "Tolerated"; PolyPhen-2: "Benign"; Align-GVGD: "Class C0". The threonine amino acid residue is found in multiple mammalian species, which suggests that this missense change does not adversely affect protein function. This variant has not been reported in the literature in individuals affected with SIAE-related conditions.

NM_170601.5(SIAE):c.1246G>A (p.Ala416Thr)

Gene: SIAE (sialic acid acetylesterase; minus strand). Cytogenetic location: 11q24.2.
Variant type: single nucleotide variant.
Coding change: c.1246G>A on transcript NM_170601.5 (MANE Select); coding-DNA position 1246, G replaced by A.
Protein change: p.Ala416Thr; replaces alanine 416 with threonine.
Molecular consequence: missense variant.
Genome position (GRCh38, 1-based): chr11:124,638,616, C>T on the plus strand (G>A on the coding strand, the complement: SIAE is on the minus strand). VCF-style: chr11-124638616-C-T. GRCh37 (hg19) VCF-style: chr11-124508512-C-T.
Other names: c.1141G>A, p.Ala381Thr (NM_001199922.2); short protein forms A381T, A416T.
Identifiers: ClinVar variation 1945455 (VCV001945455.5), dbSNP rs2496879430, ClinGen allele CA383144282.
Genomic context (GRCh38, chr11:124,638,616, plus strand): 5'-TGTCCTTTTTCTGCACCTGGATTTGCTGGTAATATGTGAGATTGAGCAGCCCCTTGTGAG[C>T]CAAGAGTTCTATCTTCTCAGGCAGTGGTCCTTCAAAGGTCAAATTCTTCTCACCATAAGC-3'
Protein context (NP_733746.1, residues 406-426): GPLPEKIELL[Ala416Thr]HKGLLNLTYY